The following is an entry in ClinVar:

ClinVar aggregate classification (germline): Likely benign. Review status: criteria provided, single submitter (1 of 4 stars). 2 submissions from 2 submitters: Likely benign (1). 1 of the submissions does not count toward it. Last evaluated 2022-08-01.

Conditions:
FAT1-related disorder. Also called: FAT1-related condition.

Allele frequency attached by ClinVar (database versions not stated): ExAC 0.00004; gnomAD 0.00006; TOPMed 0.00007; 1000 Genomes Project 30x 0.00016; 1000 Genomes Project 0.00020.
gnomAD v4.1: 45 of 1,613,548 alleles (0.0028%); highest among the groups gnomAD compares: African/African-American, 0.02%; no homozygotes.

Submissions (2):

CeGaT Center for Human Genetics Tuebingen
Classification: Likely benign. Last evaluated: 2022-08-01. Review status: criteria provided, single submitter. Criteria: CeGaT Center For Human Genetics Tuebingen Variant Classification Criteria Version 2. Collection method: clinical testing. Allele origin: germline. Affected: yes. Observed: 1 variant allele.
Comment: FAT1: BP4, BP7

PreventionGenetics, part of Exact Sciences
Classification: Likely benign for FAT1-related condition. Last evaluated: 2019-05-28. Review status: no assertion criteria provided. Collection method: clinical testing. Allele origin: germline. Not counted in ClinVar's aggregate classification.
Comment: This variant is classified as likely benign based on ACMG/AMP sequence variant interpretation guidelines (Richards et al. 2015 PMID: 25741868, with internal and published modifications).

NM_005245.4(FAT1):c.10416C>T (p.Asn3472=)

Gene: FAT1 (FAT atypical cadherin 1; minus strand). Cytogenetic location: 4q35.2.
Variant type: single nucleotide variant.
Coding change: c.10416C>T on transcript NM_005245.4 (MANE Select); coding-DNA position 10416, C replaced by T.
Protein change: p.Asn3472=; no amino-acid change (asparagine 3472 retained).
Molecular consequence: synonymous variant.
Genome position (GRCh38, 1-based): chr4:186,604,509, G>A on the plus strand (C>T on the coding strand, the complement: FAT1 is on the minus strand). VCF-style: chr4-186604509-G-A. GRCh37 (hg19) VCF-style: chr4-187525663-G-A.
Other names: c.10416C>T (NM_005245.3).
Identifiers: ClinVar variation 2655220 (VCV002655220.25), dbSNP rs542873085, ClinGen allele CA3165366.